The following is an entry in ClinVar:

ClinVar aggregate classification (germline): Conflicting classifications of pathogenicity. Review status: criteria provided, conflicting classifications (1 of 4 stars). 4 submissions from 3 submitters: Uncertain significance (1); Benign (1); Likely benign (1). 1 of the submissions does not count toward it. Last evaluated 2025-11-17.

Conditions:
Autosomal dominant nonsyndromic hearing loss 17. Also called: Autosomal dominant nonsyndromic deafness 17; Deafness, autosomal dominant 17. Identifiers: Orphanet 90635, MedGen C1863659, MONDO:0011350, OMIM 603622.
MYH9-related disorder. Identifiers: MedGen C1854520.

Allele frequency attached by ClinVar (database versions not stated): TOPMed 0.00002; gnomAD 0.00003 and 0.00005; gnomAD exomes 0.00007; ExAC 0.00008; 1000 Genomes Project 30x 0.00016; 1000 Genomes Project 0.00020.
gnomAD v4.1: 59 of 1,613,516 alleles (0.0037%); highest among the groups gnomAD compares: South Asian, 0.036%; no homozygotes.

Submissions (4):

Labcorp Genetics (formerly Invitae), Labcorp
Classification: Likely benign. Last evaluated: 2025-11-17. Review status: criteria provided, single submitter. Criteria: Invitae Variant Classification Sherloc (09022015). Collection method: clinical testing. Allele origin: germline.

Illumina Laboratory Services, Illumina
Classification: Uncertain significance for Autosomal dominant nonsyndromic hearing loss 17. Last evaluated: 2018-01-17. Review status: criteria provided, single submitter. Criteria: ICSL Variant Classification Criteria 13 December 2019. Collection method: clinical testing. Allele origin: germline.

Illumina Laboratory Services, Illumina
Classification: Benign for MYH9-related disorder. Last evaluated: 2018-01-15. Review status: criteria provided, single submitter. Criteria: ICSL Variant Classification Criteria 13 December 2019. Collection method: clinical testing. Allele origin: germline.
Comment: This variant was observed in the ICSL laboratory as part of a predisposition screen in an ostensibly healthy population. It had not been previously curated by ICSL or reported in the Human Gene Mutation Database (HGMD: prior to June 1st, 2018), and was therefore a candidate for classification through an automated scoring system. Utilizing variant allele frequency, disease prevalence and penetrance estimates, and inheritance mode, an automated score was calculated to assess if this variant is too frequent to cause the disease. Based on the score and internal cut-off values, a variant classified as benign is not then subjected to further curation. The score for this variant resulted in a classification of benign for this disease.

PreventionGenetics, part of Exact Sciences
Classification: Likely benign for MYH9-related condition. Last evaluated: 2023-07-13. Review status: no assertion criteria provided. Collection method: clinical testing. Allele origin: germline. Not counted in ClinVar's aggregate classification.
Comment: This variant is classified as likely benign based on ACMG/AMP sequence variant interpretation guidelines (Richards et al. 2015 PMID: 25741868, with internal and published modifications).

NM_002473.6(MYH9):c.3453G>A (p.Thr1151=)

Gene: MYH9 (myosin heavy chain 9; minus strand). Cytogenetic location: 22q12.3.
Variant type: single nucleotide variant.
Coding change: c.3453G>A on transcript NM_002473.6 (MANE Select); coding-DNA position 3453, G replaced by A.
Protein change: p.Thr1151=; no amino-acid change (threonine 1151 retained).
Molecular consequence: synonymous variant.
Genome position (GRCh38, 1-based): chr22:36,295,537, C>T on the plus strand (G>A on the coding strand, the complement: MYH9 is on the minus strand). VCF-style: chr22-36295537-C-T. GRCh37 (hg19) VCF-style: chr22-36691583-C-T.
Other names: c.3453G>A (NM_002473.5).
Identifiers: ClinVar variation 899933 (VCV000899933.10), dbSNP rs574230328, ClinGen allele CA10209676.